The following is an entry in ClinVar:

ClinVar aggregate classification (germline): Uncertain significance. Review status: criteria provided, multiple submitters, no conflicts (2 of 4 stars). 2 submissions from 2 submitters: Uncertain significance (2). Last evaluated 2022-04-19.

Conditions:
Inborn genetic diseases. Identifiers: MedGen C0950123, MeSH D030342.

Allele frequency attached by ClinVar (database versions not stated): gnomAD exomes below 0.00001.
gnomAD v4.1: 1 of 1,614,180 alleles (0.000062%); highest among the groups gnomAD compares: Non-Finnish European, 0.000085%; no homozygotes.

Submissions (2):

Labcorp Genetics (formerly Invitae), Labcorp
Classification: Uncertain significance. Last evaluated: 2022-04-19. Review status: criteria provided, single submitter. Criteria: Invitae Variant Classification Sherloc (09022015). Collection method: clinical testing. Allele origin: germline.
Comment: In summary, the available evidence is currently insufficient to determine the role of this variant in disease. Therefore, it has been classified as a Variant of Uncertain Significance. Algorithms developed to predict the effect of missense changes on protein structure and function (SIFT, PolyPhen-2, Align-GVGD) all suggest that this variant is likely to be tolerated. This variant has not been reported in the literature in individuals affected with PRMT7-related conditions. This variant is not present in population databases (gnomAD no frequency). This sequence change replaces arginine, which is basic and polar, with glycine, which is neutral and non-polar, at codon 177 of the PRMT7 protein (p.Arg177Gly).

Ambry Genetics
Classification: Uncertain significance for Inborn genetic diseases. Last evaluated: 2021-08-10. Review status: criteria provided, single submitter. Criteria: Ambry Variant Classification Scheme 2023. Collection method: clinical testing. Allele origin: germline.

NM_019023.5(PRMT7):c.529A>G (p.Arg177Gly)

Gene: PRMT7 (protein arginine methyltransferase 7; plus strand). Cytogenetic location: 16q22.1.
Variant type: single nucleotide variant.
Coding change: c.529A>G on transcript NM_019023.5 (MANE Select); coding-DNA position 529, A replaced by G.
Protein change: p.Arg177Gly; replaces arginine 177 with glycine.
Molecular consequence: missense variant. On other transcripts: non-coding transcript variant (12).
Genome position (GRCh38, 1-based): chr16:68,339,346, A>G. VCF-style: chr16-68339346-A-G. GRCh37 (hg19) VCF-style: chr16-68373249-A-G.
Other names: c.322A>G, p.Arg108Gly (NM_001378020.1); c.292A>G, p.Arg98Gly (NM_001378021.1, NM_001378022.1, NM_001378023.1); c.379A>G, p.Arg127Gly (NM_001184824.4); c.529A>G, p.Arg177Gly (NM_001290018.2, NM_001351143.3, NM_001351144.3 and 1 more transcripts); short protein forms R127G, R177G, R98G, R108G.
Identifiers: ClinVar variation 2116978 (VCV002116978.5), dbSNP rs2544818234, ClinGen allele CA396433497.